The following is an entry in ClinVar:

ClinVar aggregate classification (germline): Benign (1 of 4 stars; one submission).

Allele frequency attached by ClinVar (database versions not stated): 1000 Genomes Project 30x 0.77327; 1000 Genomes Project 0.77396; gnomAD 0.77974 and 0.78108; TOPMed 0.79972.
gnomAD v4.1: 118,637 of 152,106 alleles (78%); highest among the groups gnomAD compares: East Asian, 89%; 46,589 homozygotes.

Submission:

GeneDx
Classification: Benign. Last evaluated: 2018-06-13. Review status: criteria provided, single submitter. Criteria: GeneDx Variant Classification (06012015). Collection method: clinical testing. Allele origin: germline. Affected: yes.
Comment: This variant is considered likely benign or benign based on one or more of the following criteria: it is a conservative change, it occurs at a poorly conserved position in the protein, it is predicted to be benign by multiple in silico algorithms, and/or has population frequency not consistent with disease.

NM_024422.6(DSC2):c.1264-182T>C

Gene: DSC2 (desmocollin 2; minus strand). Cytogenetic location: 18q12.1.
Variant type: single nucleotide variant.
Coding change: c.1264-182T>C on transcript NM_024422.6 (MANE Select); 182 bases into the intron before coding-DNA position 1264, T replaced by C.
Molecular consequence: intron variant.
Genome position (GRCh38, 1-based): chr18:31,080,534, A>G on the plus strand (T>C on the coding strand, the complement: DSC2 is on the minus strand). VCF-style: chr18-31080534-A-G. GRCh37 (hg19) VCF-style: chr18-28660500-A-G.
Other names: c.1264-182T>C (NM_004949.5).
Identifiers: ClinVar variation 672124 (VCV000672124.1), dbSNP rs1790701, ClinGen allele CA14593995.